The following is an entry in ClinVar:

ClinVar aggregate classification (germline): Uncertain significance (1 of 4 stars; one submission).

Allele frequency attached by ClinVar (database versions not stated): gnomAD exomes below 0.00001.
gnomAD v4.1: 2 of 1,582,746 alleles (0.00013%); highest among the groups gnomAD compares: Non-Finnish European, 0.00017%; no homozygotes.

Submission:

Labcorp Genetics (formerly Invitae), Labcorp
Classification: Uncertain significance. Last evaluated: 2022-04-08. Review status: criteria provided, single submitter. Criteria: Invitae Variant Classification Sherloc (09022015). Collection method: clinical testing. Allele origin: germline.
Comment: This variant is not present in population databases (gnomAD no frequency). This sequence change replaces lysine, which is basic and polar, with asparagine, which is neutral and polar, at codon 885 of the MYO3A protein (p.Lys885Asn). This variant has not been reported in the literature in individuals affected with MYO3A-related conditions. Algorithms developed to predict the effect of missense changes on protein structure and function are either unavailable or do not agree on the potential impact of this missense change (SIFT: "Deleterious"; PolyPhen-2: "Benign"; Align-GVGD: "Class C0"). In summary, the available evidence is currently insufficient to determine the role of this variant in disease. Therefore, it has been classified as a Variant of Uncertain Significance.

NM_017433.5(MYO3A):c.2655A>C (p.Lys885Asn)

Gene: MYO3A (myosin IIIA; plus strand). Cytogenetic location: 10p12.1.
Variant type: single nucleotide variant.
Coding change: c.2655A>C on transcript NM_017433.5 (MANE Select); coding-DNA position 2655, A replaced by C.
Protein change: p.Lys885Asn; replaces lysine 885 with asparagine.
Molecular consequence: missense variant.
Genome position (GRCh38, 1-based): chr10:26,153,869, A>C. VCF-style: chr10-26153869-A-C. GRCh37 (hg19) VCF-style: chr10-26442798-A-C.
Other names: short protein forms K885N.
Identifiers: ClinVar variation 1439440 (VCV001439440.6), dbSNP rs2131908863, ClinGen allele CA376335334.